The following is an entry in ClinVar:

NM_001148.6(ANK2):c.11026A>G (p.Ser3676Gly)

Gene: ANK2 (ankyrin 2; plus strand). Cytogenetic location: 4q26.
Variant type: single nucleotide variant.
Coding change: c.11026A>G on transcript NM_001148.6 (MANE Select); coding-DNA position 11026, A replaced by G.
Protein change: p.Ser3676Gly; replaces serine 3676 with glycine.
Molecular consequence: missense variant.
Genome position (GRCh38, 1-based): chr4:113,365,176, A>G. VCF-style: chr4-113365176-A-G. GRCh37 (hg19) VCF-style: chr4-114286332-A-G.
Other names: c.4744A>G, p.Ser1582Gly (NM_001127493.3); c.4783A>G, p.Ser1595Gly (NM_001354225.2); c.4672A>G, p.Ser1558Gly (NM_001354228.2, NM_001354258.2); c.4750A>G, p.Ser1584Gly (NM_001354230.2); c.4813A>G, p.Ser1605Gly (NM_001354231.2, NM_001354242.2); c.4807A>G, p.Ser1603Gly (NM_001354232.2); c.4768A>G, p.Ser1590Gly (NM_001354235.2, NM_001354246.2, NM_001354265.2); c.4669A>G, p.Ser1557Gly (NM_001354236.2); and 35 more; short protein forms S1430G, S1463G, S1504G, S1536G, S1548G, S1582G, S1584G, S1586G.
Identifiers: ClinVar variation 4051012 (VCV004051012.1).

ClinVar aggregate classification (germline): Uncertain significance (1 of 4 stars; one submission).

Conditions:
Cardiovascular phenotype. Identifiers: MedGen CN230736.

Submission:

Ambry Genetics
Classification: Uncertain significance for Cardiovascular phenotype. Last evaluated: 2025-05-07. Review status: criteria provided, single submitter. Criteria: Ambry Variant Classification Scheme 2023. Collection method: clinical testing. Allele origin: germline.
Comment: The p.S3676G variant (also known as c.11026A>G), located in coding exon 41 of the ANK2 gene, results from an A to G substitution at nucleotide position 11026. The serine at codon 3676 is replaced by glycine, an amino acid with similar properties. This amino acid position is highly conserved in available vertebrate species. In addition, this alteration is predicted to be deleterious by in silico analysis. Based on the available evidence, the clinical significance of this variant remains unclear.